The following is an entry in ClinVar:

ClinVar aggregate classification (germline): Likely benign (0 of 4 stars; one submission).

Conditions:
FGFRL1-related disorder. Also called: FGFRL1-related condition.

Allele frequency attached by ClinVar (database versions not stated): gnomAD 0.00004; TOPMed 0.00008; 1000 Genomes Project 30x 0.00047; 1000 Genomes Project 0.00060.
gnomAD v4.1: 28 of 1,590,834 alleles (0.0018%); highest among the groups gnomAD compares: East Asian, 0.029%; no homozygotes.

Submission:

PreventionGenetics, part of Exact Sciences
Classification: Likely benign for FGFRL1-related condition. Last evaluated: 2019-09-18. Review status: no assertion criteria provided. Collection method: clinical testing. Allele origin: germline.
Comment: This variant is classified as likely benign based on ACMG/AMP sequence variant interpretation guidelines (Richards et al. 2015 PMID: 25741868, with internal and published modifications).

NM_001004356.3(FGFRL1):c.1072+7G>C

Gene: FGFRL1 (fibroblast growth factor receptor like 1; plus strand). Cytogenetic location: 4p16.3.
Variant type: single nucleotide variant.
Coding change: c.1072+7G>C on transcript NM_001004356.3 (MANE Select); 7 bases into the intron after coding-DNA position 1072, G replaced by C.
Molecular consequence: intron variant.
Genome position (GRCh38, 1-based): chr4:1,024,671, G>C. VCF-style: chr4-1024671-G-C. GRCh37 (hg19) VCF-style: chr4-1018459-G-C.
Other names: c.1072+7G>C (NM_001004358.1, NM_001370296.1, NM_021923.3).
Identifiers: ClinVar variation 3040612 (VCV003040612.2), dbSNP rs200119815, ClinGen allele CA2802957.